The following is an entry in ClinVar:

NM_024298.5(MBOAT7):c.310G>A (p.Val104Ile)

Gene: MBOAT7 (membrane bound acylglycerophosphatidylinositol O-acyltransferase MBOAT7; minus strand). Cytogenetic location: 19q13.42.
Variant type: single nucleotide variant.
Coding change: c.310G>A on transcript NM_024298.5 (MANE Select); coding-DNA position 310, G replaced by A.
Protein change: p.Val104Ile; replaces valine 104 with isoleucine.
Molecular consequence: missense variant. On other transcripts: intron variant (2).
Genome position (GRCh38, 1-based): chr19:54,187,184, C>T on the plus strand (G>A on the coding strand, the complement: MBOAT7 is on the minus strand). VCF-style: chr19-54187184-C-T. GRCh37 (hg19) VCF-style: chr19-54691066-C-T.
Other names: c.310G>A, p.Val104Ile (NM_001146082.3); c.114+1033G>A (NM_001146056.3, NM_001146083.3); short protein forms V104I.
Identifiers: ClinVar variation 3341698 (VCV003341698.16).

ClinVar aggregate classification (germline): Uncertain significance (1 of 4 stars; one submission).

Submission:

CeGaT Center for Human Genetics Tuebingen
Classification: Uncertain significance. Last evaluated: 2024-08-01. Review status: criteria provided, single submitter. Criteria: CeGaT Center For Human Genetics Tuebingen Variant Classification Criteria Version 2. Collection method: clinical testing. Allele origin: germline. Affected: yes. Observed: 1 variant allele.
Comment: MBOAT7: PM2, BP4